The following is an entry in ClinVar:

ClinVar aggregate classification (germline): Uncertain significance (1 of 4 stars; one submission).

Allele frequency attached by ClinVar (database versions not stated): gnomAD exomes 0.00001; ExAC 0.00003.
gnomAD v4.1: 3 of 1,612,046 alleles (0.00019%); highest among the groups gnomAD compares: Admixed American, 0.005%; no homozygotes.

Submission:

Labcorp Genetics (formerly Invitae), Labcorp
Classification: Uncertain significance. Last evaluated: 2022-11-10. Review status: criteria provided, single submitter. Criteria: Invitae Variant Classification Sherloc (09022015). Collection method: clinical testing. Allele origin: germline.
Comment: This variant has not been reported in the literature in individuals affected with KIF11-related conditions. This variant is present in population databases (rs767987237, gnomAD 0.009%). This sequence change replaces glutamic acid, which is acidic and polar, with aspartic acid, which is acidic and polar, at codon 966 of the KIF11 protein (p.Glu966Asp). Algorithms developed to predict the effect of missense changes on protein structure and function (SIFT, PolyPhen-2, Align-GVGD) all suggest that this variant is likely to be tolerated. In summary, the available evidence is currently insufficient to determine the role of this variant in disease. Therefore, it has been classified as a Variant of Uncertain Significance.

NM_004523.4(KIF11):c.2898A>C (p.Glu966Asp)

Gene: KIF11 (kinesin family member 11; plus strand). Cytogenetic location: 10q23.33.
Variant type: single nucleotide variant.
Coding change: c.2898A>C on transcript NM_004523.4 (MANE Select); coding-DNA position 2898, A replaced by C.
Protein change: p.Glu966Asp; replaces glutamic acid 966 with aspartic acid.
Molecular consequence: missense variant.
Genome position (GRCh38, 1-based): chr10:92,649,962, A>C. VCF-style: chr10-92649962-A-C. GRCh37 (hg19) VCF-style: chr10-94409719-A-C.
Other names: short protein forms E966D.
Identifiers: ClinVar variation 2873682 (VCV002873682.3), dbSNP rs767987237, ClinGen allele CA5604486.
Genomic context (GRCh38, chr10:92,649,962, plus strand): 5'-TCTCCTTGATCAGCTGAAAAGGAAACAGCCTGAGCTGTTAATGATGCTAAACTGTTCAGA[A>C]AACAACAAAGAAGAGACAATTCCGGTAAATTTAAAGGATCATATTTTATAATAGAACTCT-3'
Protein context (NP_004514.2, residues 956-976): PELLMMLNCS[Glu966Asp]NNKEETIPDV